The following is an entry in ClinVar:

NM_012434.5(SLC17A5):c.819+79T>G

Gene: SLC17A5 (solute carrier family 17 member 5; minus strand). Cytogenetic location: 6q13.
Variant type: single nucleotide variant.
Coding change: c.819+79T>G on transcript NM_012434.5 (MANE Select); 79 bases into the intron after coding-DNA position 819, T replaced by G.
Molecular consequence: intron variant.
Genome position (GRCh38, 1-based): chr6:73,635,303, A>C on the plus strand (T>G on the coding strand, the complement: SLC17A5 is on the minus strand). VCF-style: chr6-73635303-A-C. GRCh37 (hg19) VCF-style: chr6-74345026-A-C.
Identifiers: ClinVar variation 672081 (VCV000672081.4), dbSNP rs558839, ClinGen allele CA140971890.
Genomic context (GRCh38, chr6:73,635,303, plus strand): 5'-TTTGGATGTTCATTTCATTTGCCTATTCTACTTTGTCTAGAGCATGCACAATAGGAATAT[A>C]TATTTTTAAAAACTGATATCTTAATTCTGAAGAAAAAAAGTTTCTGACATTATTTTTAAA-3'

ClinVar aggregate classification (germline): Benign. Review status: criteria provided, multiple submitters, no conflicts (2 of 4 stars). 3 submissions from 2 submitters: Benign (3). Last evaluated 2021-07-10.

Conditions:
Sialic acid storage disease, severe infantile type (ISSD). Also called: INFANTILE SIALIC ACID STORAGE DISORDER; Free sialic acid storage disease, infantile form; N-ACETYLNEURAMINIC ACID STORAGE DISEASE; NANA STORAGE DISEASE; SIALURIA, INFANTILE FORM; Infantile Sialic Acid Storage Disease. Identifiers: Orphanet 309324, Orphanet 834, MedGen C1096902, MONDO:0010027, OMIM 269920.
Salla disease (SD). Also called: Sialuria, Finnish type; N-acetylneuraminic acid (NANA) storage disease (NSD); Infantile sialic acid storage disorder (ISSD); Less Severe FSASD (Salla Disease). Identifiers: Orphanet 309334, Orphanet 834, MedGen C1096903, MONDO:0011449, OMIM 604369.

Allele frequency attached by ClinVar (database versions not stated): gnomAD 0.16396 and 0.16769; TOPMed 0.18057; 1000 Genomes Project 0.19848; 1000 Genomes Project 30x 0.20753.
gnomAD v4.1: 88,470 of 801,318 alleles (11%); highest among the groups gnomAD compares: African/African-American, 35%; 7,399 homozygotes.

Submissions (3):

Genome-Nilou Lab
Classification: Benign for Salla disease. Last evaluated: 2021-07-10. Review status: criteria provided, single submitter. Criteria: ACMG Guidelines, 2015. Collection method: clinical testing. Allele origin: germline. Affected: no.

Genome-Nilou Lab
Classification: Benign for Sialic acid storage disease, severe infantile type. Last evaluated: 2021-07-10. Review status: criteria provided, single submitter. Criteria: ACMG Guidelines, 2015. Collection method: clinical testing. Allele origin: germline. Affected: no.

GeneDx
Classification: Benign. Last evaluated: 2018-06-19. Review status: criteria provided, single submitter. Criteria: GeneDx Variant Classification (06012015). Collection method: clinical testing. Allele origin: germline. Affected: yes.
Comment: This variant is considered likely benign or benign based on one or more of the following criteria: it is a conservative change, it occurs at a poorly conserved position in the protein, it is predicted to be benign by multiple in silico algorithms, and/or has population frequency not consistent with disease.